The following is an entry in ClinVar:

ClinVar aggregate classification (germline): Uncertain significance (1 of 4 stars; one submission).

Allele frequency attached by ClinVar (database versions not stated): ExAC 0.00001; gnomAD exomes 0.00001.
gnomAD v4.1: 19 of 1,614,166 alleles (0.0012%); highest among the groups gnomAD compares: Non-Finnish European, 0.0015%; no homozygotes.

Submission:

Labcorp Genetics (formerly Invitae), Labcorp
Classification: Uncertain significance. Last evaluated: 2024-03-18. Review status: criteria provided, single submitter. Criteria: Invitae Variant Classification Sherloc (09022015). Collection method: clinical testing. Allele origin: germline.
Comment: This sequence change replaces arginine, which is basic and polar, with glutamine, which is neutral and polar, at codon 2443 of the MTOR protein (p.Arg2443Gln). This variant is present in population databases (rs759011563, gnomAD 0.0009%). This variant has not been reported in the literature in individuals affected with MTOR-related conditions. ClinVar contains an entry for this variant (Variation ID: 2177939). Advanced modeling of protein sequence and biophysical properties (such as structural, functional, and spatial information, amino acid conservation, physicochemical variation, residue mobility, and thermodynamic stability) has been performed at Invitae for this missense variant, however the output from this modeling did not meet the statistical confidence thresholds required to predict the impact of this variant on MTOR protein function. In summary, the available evidence is currently insufficient to determine the role of this variant in disease. Therefore, it has been classified as a Variant of Uncertain Significance.

NM_004958.4(MTOR):c.7328G>A (p.Arg2443Gln)

Gene: MTOR (mechanistic target of rapamycin kinase; minus strand). Cytogenetic location: 1p36.22.
Variant type: single nucleotide variant.
Coding change: c.7328G>A on transcript NM_004958.4 (MANE Select); coding-DNA position 7328, G replaced by A.
Protein change: p.Arg2443Gln; replaces arginine 2443 with glutamine.
Molecular consequence: missense variant.
Genome position (GRCh38, 1-based): chr1:11,112,890, C>T on the plus strand (G>A on the coding strand, the complement: MTOR is on the minus strand). VCF-style: chr1-11112890-C-T. GRCh37 (hg19) VCF-style: chr1-11172947-C-T.
Other names: c.7328G>A, p.Arg2443Gln (NM_001386500.1); c.6080G>A, p.Arg2027Gln (NM_001386501.1); short protein forms R2027Q, R2443Q.
Identifiers: ClinVar variation 2177939 (VCV002177939.4), dbSNP rs759011563, ClinGen allele CA588873.